The following is an entry in ClinVar:

ClinVar aggregate classification (germline): Uncertain significance (1 of 4 stars; one submission).

Conditions:
Primary ciliary dyskinesia 19. Also called: CILIARY DYSKINESIA, PRIMARY, 19, WITH OR WITHOUT SITUS INVERSUS. Identifiers: Orphanet 244, MedGen C3543826, MONDO:0013979, OMIM 614935.

Submission:

Labcorp Genetics (formerly Invitae), Labcorp
Classification: Uncertain significance for Primary ciliary dyskinesia 19. Last evaluated: 2017-05-08. Review status: criteria provided, single submitter. Criteria: Invitae Variant Classification Sherloc (09022015). Collection method: clinical testing. Allele origin: germline.
Comment: In summary, this variant is a novel missense change with uncertain impact on protein function. It has been classified as a Variant of Uncertain Significance. Algorithms developed to predict the effect of missense changes on protein structure and function do not agree on the potential impact of this missense change (SIFT: "Deleterious"; PolyPhen-2: "Probably Damaging"; Align-GVGD: "Class C0"). This variant is not present in population databases (ExAC no frequency) and has not been reported in the literature in individuals with an LRRC6-related disease. This sequence change replaces proline with threonine at codon 420 of the LRRC6 protein (p.Pro420Thr). The proline residue is highly conserved and there is a small physicochemical difference between proline and threonine.

NM_012472.6(DNAAF11):c.1258C>A (p.Pro420Thr)

Gene: DNAAF11 (dynein axonemal assembly factor 11; minus strand). Cytogenetic location: 8q24.22.
Variant type: single nucleotide variant.
Coding change: c.1258C>A on transcript NM_012472.6 (MANE Select); coding-DNA position 1258, C replaced by A.
Protein change: p.Pro420Thr; replaces proline 420 with threonine.
Molecular consequence: missense variant. On other transcripts: non-coding transcript variant (10).
Genome position (GRCh38, 1-based): chr8:132,572,449, G>T on the plus strand (C>A on the coding strand, the complement: DNAAF11 is on the minus strand). VCF-style: chr8-132572449-G-T. GRCh37 (hg19) VCF-style: chr8-133584697-G-T.
Other names: c.1198C>A, p.Pro400Thr (NM_001321961.2); c.1012C>A, p.Pro338Thr (NM_001321962.2); c.898C>A, p.Pro300Thr (NM_001321963.2, NM_001321964.2, NM_001321965.2); c.838C>A, p.Pro280Thr (NM_001321966.2); short protein forms P420T, P338T, P280T, P300T, P400T.
Identifiers: ClinVar variation 473105 (VCV000473105.8), dbSNP rs1554667007, ClinGen allele CA372291980.